The following is an entry in ClinVar:

ClinVar aggregate classification (germline): Conflicting classifications of pathogenicity. Review status: criteria provided, conflicting classifications (1 of 4 stars). 3 submissions from 3 submitters: Uncertain significance (1); Likely benign (1). 1 of the submissions does not count toward it. Last evaluated 2024-10-18.

Conditions:
ABCC6-related disorder. Also called: ABCC6-related condition.
Pseudoxanthoma elasticum, forme fruste. Also called: Pseudoxanthoma Elasticum, Incomplete; PSEUDOXANTHOMA ELASTICUM, HETEROZYGOUS. Identifiers: Orphanet 758, MedGen C1867450, MONDO:0008333, OMIM 177850.
Arterial calcification, generalized, of infancy, 2. Identifiers: Orphanet 51608, MedGen C3276161, MONDO:0013768, OMIM 614473.
Autosomal recessive inherited pseudoxanthoma elasticum (PXE). Identifiers: Orphanet 758, MedGen CN032334, MONDO:0009925, OMIM 264800.

Submissions (3):

Blueprint Genetics
Classification: Likely benign. Last evaluated: 2024-10-18. Review status: criteria provided, single submitter. Criteria: ACMG Guidelines, 2015. Collection method: clinical testing. Allele origin: germline.

Fulgent Genetics
Classification: Uncertain significance for Pseudoxanthoma elasticum, forme fruste; Autosomal recessive inherited pseudoxanthoma elasticum; Arterial calcification, generalized, of infancy, 2. Last evaluated: 2024-01-03. Review status: criteria provided, single submitter. Criteria: ACMG Guidelines, 2015. Collection method: clinical testing. Allele origin: germline.

PreventionGenetics, part of Exact Sciences
Classification: Uncertain significance for ABCC6-related condition. Last evaluated: 2024-09-21. Review status: no assertion criteria provided. Collection method: clinical testing. Allele origin: germline. Not counted in ClinVar's aggregate classification.
Comment: The ABCC6 c.580C>T variant is predicted to result in the amino acid substitution p.Pro194Ser. To our knowledge, this variant has not been previously reported in association with ABCC6-related disease. This variant is reported in 0.046% of alleles in individuals of European (Non-Finnish) descent in gnomAD. At this time, the clinical significance of this variant is uncertain due to the absence of conclusive functional and genetic evidence.

NM_001171.6(ABCC6):c.580C>T (p.Pro194Ser)

Gene: ABCC6 (ATP binding cassette subfamily C member 6; minus strand). Cytogenetic location: 16p13.11.
Variant type: single nucleotide variant.
Coding change: c.580C>T on transcript NM_001171.6 (MANE Select); coding-DNA position 580, C replaced by T.
Protein change: p.Pro194Ser; replaces proline 194 with serine.
Molecular consequence: missense variant. On other transcripts: non-coding transcript variant (1).
Genome position (GRCh38, 1-based): chr16:16,214,344, G>A on the plus strand (C>T on the coding strand, the complement: ABCC6 is on the minus strand). VCF-style: chr16-16214344-G-A. GRCh37 (hg19) VCF-style: chr16-16308201-G-A.
Other names: c.238C>T, p.Pro80Ser (NM_001351800.1); short protein forms P194S, P80S.
Identifiers: ClinVar variation 3350759 (VCV003350759.3).